The following is an entry in ClinVar:

NM_020812.4(DOCK6):c.4315A>T (p.Thr1439Ser)

Genes: DOCK6 (dedicator of cytokinesis 6; minus strand), DOCK6-AS1 (DOCK6 antisense RNA 1; plus strand). Cytogenetic location: 19p13.2.
Variant type: single nucleotide variant.
Coding change: c.4315A>T on transcript NM_020812.4 (MANE Select); coding-DNA position 4315, A replaced by T.
Protein change: p.Thr1439Ser; replaces threonine 1439 with serine.
Molecular consequence: missense variant.
Genome position (GRCh38, 1-based): chr19:11,214,298, T>A on the plus strand (A>T on the coding strand, the complement: DOCK6 is on the minus strand). VCF-style: chr19-11214298-T-A. GRCh37 (hg19) VCF-style: chr19-11324974-T-A.
Other names: c.4315A>T (NM_020812.2); c.4420A>T, p.Thr1474Ser (NM_001367830.1); short protein forms T1439S, T1474S.
Identifiers: ClinVar variation 3373165 (VCV003373165.3).

ClinVar aggregate classification (germline): Uncertain significance. Review status: criteria provided, multiple submitters, no conflicts (2 of 4 stars). 3 submissions from 3 submitters: Uncertain significance (3). Last evaluated 2024-11-20.

Conditions:
Inborn genetic diseases. Identifiers: MedGen C0950123, MeSH D030342.

gnomAD v4.1: 16 of 1,612,640 alleles (0.00099%); highest among the groups gnomAD compares: Non-Finnish European, 0.0014%; no homozygotes.

Submissions (3):

Ambry Genetics
Classification: Uncertain significance for Inborn genetic diseases. Last evaluated: 2024-11-20. Review status: criteria provided, single submitter. Criteria: Ambry Variant Classification Scheme 2023. Collection method: clinical testing. Allele origin: germline.

GeneDx
Classification: Uncertain significance. Last evaluated: 2024-04-30. Review status: criteria provided, single submitter. Criteria: GeneDx Variant Classification Process June 2021. Collection method: clinical testing. Allele origin: germline. Affected: yes.
Comment: Not observed at significant frequency in large population cohorts (gnomAD); In silico analysis supports that this missense variant has a deleterious effect on protein structure/function; Has not been previously published as pathogenic or benign to our knowledge

Blueprint Genetics
Classification: Uncertain significance. Last evaluated: 2020-03-26. Review status: criteria provided, single submitter. Criteria: ACMG Guidelines, 2015. Collection method: clinical testing. Allele origin: germline.